The following is an entry in ClinVar:

ClinVar aggregate classification (germline): Likely benign. Review status: criteria provided, multiple submitters, no conflicts (2 of 4 stars). 4 submissions from 4 submitters: Likely benign (4). Last evaluated 2026-01-28.

Conditions:
Hereditary cancer-predisposing syndrome. Also called: Hereditary neoplastic syndrome; Neoplastic Syndromes, Hereditary; Hereditary Cancer Syndrome; Tumor predisposition. Identifiers: Orphanet 140162, MedGen C0027672, MeSH D009386, MONDO:0015356.
NTHL1-related disorder. Also called: NTHL1-related condition; NTHL1-related conditions.

Allele frequency attached by ClinVar (database versions not stated): gnomAD 0.00001; TOPMed 0.00001.
gnomAD v4.1: 17 of 1,586,528 alleles (0.0011%); highest among the groups gnomAD compares: Non-Finnish European, 0.0013%; no homozygotes.

Submissions (4):

Labcorp Genetics (formerly Invitae), Labcorp
Classification: Likely benign. Last evaluated: 2026-01-28. Review status: criteria provided, single submitter. Criteria: Invitae Variant Classification Sherloc (09022015). Collection method: clinical testing. Allele origin: germline.

Quest Diagnostics Nichols Institute San Juan Capistrano
Classification: Likely benign. Last evaluated: 2024-12-06. Review status: criteria provided, single submitter. Criteria: Quest Diagnostics criteria. Collection method: clinical testing. Allele origin: unknown.

PreventionGenetics, part of Exact Sciences
Classification: Likely benign for NTHL1-related condition. Last evaluated: 2024-11-08. Review status: criteria provided, single submitter. Criteria: ACMG Guidelines, 2015. Collection method: clinical testing. Allele origin: germline.
Comment: This variant is classified as likely benign based on ACMG/AMP sequence variant interpretation guidelines (Richards et al. 2015 PMID: 25741868, with internal and published modifications).

Ambry Genetics
Classification: Likely benign for Hereditary cancer-predisposing syndrome. Last evaluated: 2021-04-14. Review status: criteria provided, single submitter. Criteria: Ambry Variant Classification Scheme 2023. Collection method: clinical testing. Allele origin: germline.

NM_002528.7(NTHL1):c.66G>C (p.Arg22=)

Gene: NTHL1 (nth like DNA glycosylase 1; minus strand). Cytogenetic location: 16p13.3.
Variant type: single nucleotide variant.
Coding change: c.66G>C on transcript NM_002528.7 (MANE Select); coding-DNA position 66, G replaced by C.
Protein change: p.Arg22=; no amino-acid change (arginine 22 retained).
Molecular consequence: synonymous variant. On other transcripts: 5 prime UTR variant (1).
Genome position (GRCh38, 1-based): chr16:2,047,758, C>G on the plus strand (G>C on the coding strand, the complement: NTHL1 is on the minus strand). VCF-style: chr16-2047758-C-G. GRCh37 (hg19) VCF-style: chr16-2097759-C-G.
Other names: c.66G>C, p.Arg22= (NM_001318193.2); c.-113G>C (NM_001318194.2).
Identifiers: ClinVar variation 755700 (VCV000755700.15), dbSNP rs755616986, ClinGen allele CA276766680.